The following is an entry in ClinVar:

NM_002718.5(PPP2R3A):c.511G>T (p.Ala171Ser)

Gene: PPP2R3A (protein phosphatase 2 regulatory subunit B''alpha; plus strand). Cytogenetic location: 3q22.3.
Variant type: single nucleotide variant.
Coding change: c.511G>T on transcript NM_002718.5 (MANE Select); coding-DNA position 511, G replaced by T.
Protein change: p.Ala171Ser; replaces alanine 171 with serine.
Molecular consequence: missense variant. On other transcripts: intron variant (1).
Genome position (GRCh38, 1-based): chr3:136,002,009, G>T. VCF-style: chr3-136002009-G-T. GRCh37 (hg19) VCF-style: chr3-135720851-G-T.
Other names: c.-213-24823G>T (NM_001190447.2); short protein forms A171S.
Identifiers: ClinVar variation 3059643 (VCV003059643.2), dbSNP rs6779903, ClinGen allele CA2630413.

ClinVar aggregate classification (germline): Benign (0 of 4 stars; one submission).

Conditions:
PPP2R3A-related disorder. Also called: PPP2R3A-related condition.

Allele frequency attached by ClinVar (database versions not stated): ExAC 0.29794; 1000 Genomes Project 0.34565; TOPMed 0.34719; 1000 Genomes Project 30x 0.34900; ESP Exome Variant Server 0.35330.
gnomAD v4.1: 460,884 of 1,613,636 alleles (29%); highest among the groups gnomAD compares: African/African-American, 52%; 68,852 homozygotes.

Submission:

PreventionGenetics, part of Exact Sciences
Classification: Benign for PPP2R3A-related condition. Last evaluated: 2019-10-17. Review status: no assertion criteria provided. Collection method: clinical testing. Allele origin: germline.
Comment: This variant is classified as benign based on ACMG/AMP sequence variant interpretation guidelines (Richards et al. 2015 PMID: 25741868, with internal and published modifications).